The following is an entry in ClinVar:

NM_020971.3(SPTBN4):c.2321C>T (p.Ala774Val)

Gene: SPTBN4 (spectrin beta, non-erythrocytic 4; plus strand). Cytogenetic location: 19q13.2.
Variant type: single nucleotide variant.
Coding change: c.2321C>T on transcript NM_020971.3 (MANE Select); coding-DNA position 2321, C replaced by T.
Protein change: p.Ala774Val; replaces alanine 774 with valine.
Molecular consequence: missense variant.
Genome position (GRCh38, 1-based): chr19:40,513,110, C>T. VCF-style: chr19-40513110-C-T. GRCh37 (hg19) VCF-style: chr19-41019017-C-T.
Other names: short protein forms A774V.
Identifiers: ClinVar variation 737291 (VCV000737291.7), dbSNP rs769055896, ClinGen allele CA9445840.

ClinVar aggregate classification (germline): Benign. Review status: criteria provided, multiple submitters, no conflicts (2 of 4 stars). 3 submissions from 3 submitters: Benign (2). 1 of the submissions does not count toward it. Last evaluated 2019-12-31.

Conditions:
SPTBN4-related disorder. Also called: SPTBN4-related condition.

Allele frequency attached by ClinVar (database versions not stated): gnomAD 0.00066 and 0.00067; TOPMed 0.00074; gnomAD exomes 0.00166; ExAC 0.00260.
gnomAD v4.1: 742 of 1,457,538 alleles (0.051%); highest among the groups gnomAD compares: Middle Eastern, 0.31%; 4 homozygotes.

Submissions (3):

Labcorp Genetics (formerly Invitae), Labcorp
Classification: Benign. Last evaluated: 2019-12-31. Review status: criteria provided, single submitter. Criteria: Invitae Variant Classification Sherloc (09022015). Collection method: clinical testing. Allele origin: germline.

Breakthrough Genomics
Classification: Benign. Review status: criteria provided, single submitter. Criteria: ACMG Guidelines, 2015. Collection method: not provided. Allele origin: germline. Inheritance: Autosomal recessive inheritance. Affected: yes.

PreventionGenetics, part of Exact Sciences
Classification: Benign for SPTBN4-related condition. Last evaluated: 2020-04-29. Review status: no assertion criteria provided. Collection method: clinical testing. Allele origin: germline. Not counted in ClinVar's aggregate classification.
Comment: This variant is classified as benign based on ACMG/AMP sequence variant interpretation guidelines (Richards et al. 2015 PMID: 25741868, with internal and published modifications).